The following is an entry in ClinVar:

ClinVar aggregate classification (germline): Uncertain significance. Review status: criteria provided, multiple submitters, no conflicts (2 of 4 stars). 2 submissions from 2 submitters: Uncertain significance (2). Last evaluated 2023-11-16.

Submissions (2):

Women's Health and Genetics/Laboratory Corporation of America, LabCorp
Classification: Uncertain significance. Last evaluated: 2023-11-16. Review status: criteria provided, single submitter. Criteria: LabCorp Variant Classification Summary - May 2015. Collection method: clinical testing. Allele origin: germline.
Comment: Variant summary: KIF5A c.2960T>C (p.Leu987Ser) results in a non-conservative amino acid change in the encoded protein sequence. Four of five in-silico tools predict a damaging effect of the variant on protein function. The variant was absent in 251490 control chromosomes (gnomAD). The available data on variant occurrences in the general population are insufficient to allow any conclusion about variant significance. To our knowledge, no occurrence of c.2960T>C in individuals affected with KIF5A-Related Disorders and no experimental evidence demonstrating its impact on protein function have been reported. One submitter has cited a clinical-significance assessment for this variant to ClinVar after 2014 and has classified the variant as uncertain significance. Based on the evidence outlined above, the variant was classified as uncertain significance.

GeneDx
Classification: Uncertain significance. Last evaluated: 2023-03-05. Review status: criteria provided, single submitter. Criteria: GeneDx Variant Classification Process June 2021. Collection method: clinical testing. Allele origin: germline. Affected: yes.
Comment: Not observed at significant frequency in large population cohorts (gnomAD); In silico analysis supports that this missense variant does not alter protein structure/function; Has not been previously published as pathogenic or benign to our knowledge

NM_004984.4(KIF5A):c.2960T>C (p.Leu987Ser)

Gene: KIF5A (kinesin family member 5A; plus strand). Cytogenetic location: 12q13.3.
Variant type: single nucleotide variant.
Coding change: c.2960T>C on transcript NM_004984.4 (MANE Select); coding-DNA position 2960, T replaced by C.
Protein change: p.Leu987Ser; replaces leucine 987 with serine.
Molecular consequence: missense variant.
Genome position (GRCh38, 1-based): chr12:57,581,920, T>C. VCF-style: chr12-57581920-T-C. GRCh37 (hg19) VCF-style: chr12-57975703-T-C.
Other names: c.2693T>C, p.Leu898Ser (NM_001354705.2); short protein forms L898S, L987S.
Identifiers: ClinVar variation 2579557 (VCV002579557.2), dbSNP rs2540516366, ClinGen allele CA385516692.
Genomic context (GRCh38, chr12:57,581,920, plus strand): 5'-CTCCATCCAGCTTTGCAAACTCCTGTACCAGCAGTGGAGCCACATCTTCTGGCGGCCCCT[T>C]GGCTTCCTACCAGAAGGCCAACATGGACAATGGTGAGTGAAAAAGATGGGTAATCCCACC-3'
Protein context (NP_004975.2, residues 977-997): SSGATSSGGP[Leu987Ser]ASYQKANMDN